The following is an entry in ClinVar:

ClinVar aggregate classification (germline): Pathogenic (1 of 4 stars; one submission).

Conditions:
Ehlers-Danlos syndrome, dermatosparaxis type. Also called: EDS VIIC; Dermatosparaxis; Ehlers-Danlos syndrome, type VII, autosomal recessive. Identifiers: Orphanet 1901, MedGen C2700425, MONDO:0009161, OMIM 225410.

Submission:

Myriad Genetics, Inc.
Classification: Pathogenic for Ehlers-Danlos syndrome, dermatosparaxis type. Last evaluated: 2024-05-14. Review status: criteria provided, single submitter. Criteria: Myriad Autosomal Dominant, Autosomal Recessive and X-Linked Classification Criteria (2023). Collection method: clinical testing. Allele origin: unknown.
Comment: NM_014244.4(ADAMTS2):c.30_37del8ins4(L12Afs*152) is expected to be pathogenic in the context of Ehlers-Danlos syndrome, ADAMTS2-related. This variant is predicted to lead to an abnormal or absent protein product due to the creation of a premature termination codon in ADAMTS2, a gene where loss-of-function variants are known to be pathogenic. Please note: this variant was assessed in the context of healthy population screening.

NM_014244.5(ADAMTS2):c.30_37delinsACTG (p.Leu12fs)

Gene: ADAMTS2 (ADAM metallopeptidase with thrombospondin type 1 motif 2; minus strand). Cytogenetic location: 5q35.3.
Variant type: Indel.
Coding change: c.30_37delinsACTG on transcript NM_014244.5 (MANE Select); coding-DNA positions 30 to 37, CCTGCTCT replaced by ACTG.
Protein change: p.Leu12fs; shifts the reading frame from leucine 12.
Molecular consequence: frameshift variant.
Genome position (GRCh38, 1-based): chr5:179,345,292-179,345,299, AGAGCAGG replaced by CAGT on the plus strand (CCTGCTCT replaced by ACTG on the coding strand, the reverse complement: ADAMTS2 is on the minus strand). VCF-style: chr5-179345292-AGAGCAGG-CAGT. GRCh37 (hg19) VCF-style: chr5-178772293-AGAGCAGG-CAGT.
Other names: c.30_37delinsACTG, p.Leu12fs (NM_021599.4); short protein forms L12fs.
Identifiers: ClinVar variation 5016187 (VCV005016187.1).